The following is an entry in ClinVar:

NM_021953.4(FOXM1):c.1182G>C (p.Ser394=)

Gene: FOXM1 (forkhead box M1; minus strand). Cytogenetic location: 12p13.33.
Variant type: single nucleotide variant.
Coding change: c.1182G>C on transcript NM_021953.4 (MANE Select); coding-DNA position 1182, G replaced by C.
Protein change: p.Ser394=; no amino-acid change (serine 394 retained).
Molecular consequence: synonymous variant.
Genome position (GRCh38, 1-based): chr12:2,864,404, C>G on the plus strand (G>C on the coding strand, the complement: FOXM1 is on the minus strand). VCF-style: chr12-2864404-C-G. GRCh37 (hg19) VCF-style: chr12-2973570-C-G.
Other names: c.1137G>C, p.Ser379= (NM_001243088.2, NM_202003.3); c.1134G>C, p.Ser378= (NM_001243089.2); c.1182G>C, p.Ser394= (NM_202002.3).
Identifiers: ClinVar variation 774481 (VCV000774481.26), dbSNP rs28990714, ClinGen allele CA6391872.

ClinVar aggregate classification (germline): Benign/Likely benign. Review status: criteria provided, multiple submitters, no conflicts (2 of 4 stars). 3 submissions from 3 submitters: Benign (2); Likely benign (1). Last evaluated 2024-02-01.

Allele frequency attached by ClinVar (database versions not stated): 1000 Genomes Project 0.00379; 1000 Genomes Project 30x 0.00390; TOPMed 0.00415; ESP Exome Variant Server 0.00507; gnomAD 0.00717.
gnomAD v4.1: 9,856 of 1,614,148 alleles (0.61%); highest among the groups gnomAD compares: Non-Finnish European, 0.65%; 48 homozygotes.

Submissions (3):

CeGaT Center for Human Genetics Tuebingen
Classification: Likely benign. Last evaluated: 2024-02-01. Review status: criteria provided, single submitter. Criteria: CeGaT Center For Human Genetics Tuebingen Variant Classification Criteria Version 2. Collection method: clinical testing. Allele origin: germline. Affected: yes. Observed: 1 variant allele.
Comment: FOXM1: BP4, BP7, BS2

Labcorp Genetics (formerly Invitae), Labcorp
Classification: Benign. Last evaluated: 2018-03-29. Review status: criteria provided, single submitter. Criteria: Invitae Variant Classification Sherloc (09022015). Collection method: clinical testing. Allele origin: germline.

Breakthrough Genomics
Classification: Benign. Review status: criteria provided, single submitter. Criteria: ACMG Guidelines, 2015. Collection method: not provided. Allele origin: germline. Inheritance: Unknown mechanism. Affected: yes.